The following is an entry in ClinVar:

NM_014425.5(INVS):c.1837C>T (p.Arg613Trp)

Gene: INVS (inversin; plus strand). Cytogenetic location: 9q31.1.
Variant type: single nucleotide variant.
Coding change: c.1837C>T on transcript NM_014425.5 (MANE Select); coding-DNA position 1837, C replaced by T.
Protein change: p.Arg613Trp; replaces arginine 613 with tryptophan.
Molecular consequence: missense variant. On other transcripts: non-coding transcript variant (1).
Genome position (GRCh38, 1-based): chr9:100,284,372, C>T. VCF-style: chr9-100284372-C-T. GRCh37 (hg19) VCF-style: chr9-103046654-C-T.
Other names: c.1549C>T, p.Arg517Trp (NM_001318381.2); c.859C>T, p.Arg287Trp (NM_001318382.2); c.1837C>T (NM_014425.2); short protein forms R287W, R517W, R613W.
Identifiers: ClinVar variation 940220 (VCV000940220.8), dbSNP rs529208660, ClinGen allele CA5158498.

ClinVar aggregate classification (germline): Uncertain significance. Review status: criteria provided, multiple submitters, no conflicts (2 of 4 stars). 2 submissions from 2 submitters: Uncertain significance (2). Last evaluated 2025-01-24.

Conditions:
Inborn genetic diseases. Identifiers: MedGen C0950123, MeSH D030342.
Nephronophthisis. Also called: Juvenile Nephronophthisis. Identifiers: Orphanet 655, MedGen C0687120, MONDO:0019005, HP:0000090.

Allele frequency attached by ClinVar (database versions not stated): 1000 Genomes Project 30x 0.00016; 1000 Genomes Project 0.00020.
gnomAD v4.1: 7 of 1,613,672 alleles (0.00043%); highest among the groups gnomAD compares: Non-Finnish European, 0.00059%; no homozygotes.

Submissions (2):

Ambry Genetics
Classification: Uncertain significance for Inborn genetic diseases. Last evaluated: 2025-01-24. Review status: criteria provided, single submitter. Criteria: Ambry Variant Classification Scheme 2023. Collection method: clinical testing. Allele origin: germline.

Labcorp Genetics (formerly Invitae), Labcorp
Classification: Uncertain significance for Nephronophthisis. Last evaluated: 2022-08-19. Review status: criteria provided, single submitter. Criteria: Invitae Variant Classification Sherloc (09022015). Collection method: clinical testing. Allele origin: germline.
Comment: This sequence change replaces arginine, which is basic and polar, with tryptophan, which is neutral and slightly polar, at codon 613 of the INVS protein (p.Arg613Trp). This variant is present in population databases (rs529208660, gnomAD 0.007%). This variant has not been reported in the literature in individuals affected with INVS-related conditions. ClinVar contains an entry for this variant (Variation ID: 940220). Algorithms developed to predict the effect of missense changes on protein structure and function output the following: SIFT: "Deleterious"; PolyPhen-2: "Benign"; Align-GVGD: "Class C0". The tryptophan amino acid residue is found in multiple mammalian species, which suggests that this missense change does not adversely affect protein function. Algorithms developed to predict the effect of sequence changes on RNA splicing suggest that this variant may create or strengthen a splice site. In summary, the available evidence is currently insufficient to determine the role of this variant in disease. Therefore, it has been classified as a Variant of Uncertain Significance.